The following is an entry in ClinVar:

ClinVar aggregate classification (germline): Uncertain significance (1 of 4 stars; one submission).

Conditions:
MEGF10-related myopathy (CMYO10A). Also called: Congenital myopathy 10A, severe variant. Identifiers: Orphanet 439212, MedGen C3280679, MONDO:0013731, OMIM 614399.

Submission:

Labcorp Genetics (formerly Invitae), Labcorp
Classification: Uncertain significance for MEGF10-related myopathy. Last evaluated: 2024-11-14. Review status: criteria provided, single submitter. Criteria: Invitae Variant Classification Sherloc (09022015). Collection method: clinical testing. Allele origin: germline.
Comment: This variant results in the deletion of part of exon 25 (c.3228_3232+4del) of the MEGF10 gene. While this variant is not anticipated to result in nonsense mediated decay, it likely alters RNA splicing and results in a disrupted protein product. This variant is present in population databases (rs747392806, gnomAD 0.002%). This variant has not been reported in the literature in individuals affected with MEGF10-related conditions. Variants that disrupt the consensus splice site are a relatively common cause of aberrant splicing (PMID: 17576681, 9536098). In summary, the available evidence is currently insufficient to determine the role of this variant in disease. Therefore, it has been classified as a Variant of Uncertain Significance.

Literature cited by the submitters: PubMed 17576681; PubMed 9536098.

NM_001256545.2(MEGF10):c.3228_3232+4del

Gene: MEGF10 (multiple EGF like domains 10; plus strand). Cytogenetic location: 5q23.2.
Variant type: Deletion.
Coding change: c.3228_3232+4del on transcript NM_001256545.2 (MANE Select); coding-DNA position 3228 through 4 bases into the intron after coding-DNA position 3232, 9 bases deleted (AGTTGGTGA; older notation c.3228_3232+4delAGTTGGTGA).
Molecular consequence: splice donor variant.
Genome position (GRCh38, 1-based): chr5:127,455,603-127,455,611, AGTTGGTGA deleted; deleting any 9 consecutive bases within chr5:127,455,600-127,455,611 gives the same sequence; the c. name uses the placement nearest the transcript's 3' end. VCF-style (leftmost placement, unchanged base first): chr5-127455599-ATGAAGTTGG-A. GRCh37 (hg19) VCF-style: chr5-126791291-ATGAAGTTGG-A.
Other names: c.3228_3232+4del (NM_032446.3).
Identifiers: ClinVar variation 3634649 (VCV003634649.2).
Genomic context (GRCh38, chr5:127,455,599, plus strand): 5'-CACGAAGAGATTCCCCATATGCAGAGATCAATAACTCAACTTCAGCCAACAGGAATGTCT[ATGAAGTTGG>A]TGAGTTCCCTTAACCATAGAAAGAACCGAGTGCTTAAGTTTTTAAAAACAATTTTAAAGT-3'